The following is an entry in ClinVar:

ClinVar aggregate classification (germline): Benign/Likely benign. Review status: criteria provided, multiple submitters, no conflicts (2 of 4 stars). 5 submissions from 5 submitters: Benign (1); Likely benign (4). Last evaluated 2026-01-23.

Allele frequency attached by ClinVar (database versions not stated): gnomAD exomes 0.00038; ExAC 0.00041; ESP Exome Variant Server 0.00069; gnomAD 0.00118; TOPMed 0.00123; 1000 Genomes Project 30x 0.00219; 1000 Genomes Project 0.00220.
gnomAD v4.1: 445 of 1,611,326 alleles (0.028%); highest among the groups gnomAD compares: African/African-American, 0.43%; no homozygotes.

Submissions (5):

Labcorp Genetics (formerly Invitae), Labcorp
Classification: Benign. Last evaluated: 2026-01-23. Review status: criteria provided, single submitter. Criteria: Invitae Variant Classification Sherloc (09022015). Collection method: clinical testing. Allele origin: germline.

Blueprint Genetics
Classification: Likely benign. Last evaluated: 2024-10-25. Review status: criteria provided, single submitter. Criteria: ACMG Guidelines, 2015. Collection method: clinical testing. Allele origin: germline.

CeGaT Center for Human Genetics Tuebingen
Classification: Likely benign. Last evaluated: 2024-10-01. Review status: criteria provided, single submitter. Criteria: CeGaT Center For Human Genetics Tuebingen Variant Classification Criteria Version 2. Collection method: clinical testing. Allele origin: germline. Affected: yes. Observed: 1 variant allele.
Comment: NARS2: BP4, BP7

GeneDx
Classification: Likely benign. Last evaluated: 2018-02-21. Review status: criteria provided, single submitter. Criteria: GeneDx Variant Classification (06012015). Collection method: clinical testing. Allele origin: germline. Affected: yes.
Comment: This variant is considered likely benign or benign based on one or more of the following criteria: it is a conservative change, it occurs at a poorly conserved position in the protein, it is predicted to be benign by multiple in silico algorithms, and/or has population frequency not consistent with disease.

Breakthrough Genomics
Classification: Likely benign. Review status: criteria provided, single submitter. Criteria: ACMG Guidelines, 2015. Collection method: not provided. Allele origin: germline. Inheritance: Autosomal recessive inheritance. Affected: yes.

NM_024678.6(NARS2):c.369C>T (p.Ala123=)

Gene: NARS2 (asparaginyl-tRNA synthetase 2, mitochondrial; minus strand). Cytogenetic location: 11q14.1.
Variant type: single nucleotide variant.
Coding change: c.369C>T on transcript NM_024678.6 (MANE Select); coding-DNA position 369, C replaced by T.
Protein change: p.Ala123=; no amino-acid change (alanine 123 retained).
Molecular consequence: synonymous variant. On other transcripts: 5 prime UTR variant (1).
Genome position (GRCh38, 1-based): chr11:78,568,635, G>A on the plus strand (C>T on the coding strand, the complement: NARS2 is on the minus strand). VCF-style: chr11-78568635-G-A. GRCh37 (hg19) VCF-style: chr11-78279681-G-A.
Other names: c.-313C>T (NM_001243251.2).
Identifiers: ClinVar variation 506452 (VCV000506452.26), dbSNP rs151326892, ClinGen allele CA6205876.
Genomic context (GRCh38, chr11:78,568,635, plus strand): 5'-AGATTGCTGTCTTAATTAAAGCCTAAACAGCCTCCACAAAAGTGTCAGAAATCATACCTT[G>A]GCATCACAATTTCCAATAACTTTAATTTTTTCTGCCTTCAGTTCCACATTTTGCCTTTTG-3'
Protein context (NP_078954.4, residues 113-133): EKIKVIGNCD[Ala123=]KDFPIKYKER